The following is an entry in ClinVar:

NC_000007.13:g.(?_55209969)_(55274084_?)dup

Gene: EGFR (epidermal growth factor receptor; plus strand). Cytogenetic location: 7p11.2.
Variant type: Duplication.
Identifiers: ClinVar variation 1042059 (VCV001042059.5).

ClinVar aggregate classification (germline): Uncertain significance (1 of 4 stars; one submission).

Conditions:
EGFR-related lung cancer (EGFR). Identifiers: MedGen CN130014.

Submission:

Labcorp Genetics (formerly Invitae), Labcorp
Classification: Uncertain significance for EGFR-related lung cancer. Last evaluated: 2022-12-29. Review status: criteria provided, single submitter. Criteria: Invitae Variant Classification Sherloc (09022015). Collection method: clinical testing. Allele origin: germline.
Comment: In summary, the available evidence is currently insufficient to determine the role of this variant in disease. Therefore, it has been classified as a Variant of Uncertain Significance. Experimental studies and prediction algorithms are not available or were not evaluated, and the functional significance of this variant is currently unknown. This variant has not been reported in the literature in individuals affected with EGFR-related conditions. This variant results in a copy number gain of the genomic region encompassing exon(s) 2-28 of the EGFR gene. This region includes the termination codon of the gene. This copy number gain extends beyond the assayed region for this gene and therefore may encompass additional genes. As the precise location of this event is unknown, it may be in tandem or it may be located elsewhere in the genome.